The following is an entry in ClinVar:

NM_002875.5(RAD51):c.268A>G (p.Thr90Ala)

Gene: RAD51 (RAD51 recombinase; plus strand). Cytogenetic location: 15q15.1.
Variant type: single nucleotide variant.
Coding change: c.268A>G on transcript NM_002875.5 (MANE Select); coding-DNA position 268, A replaced by G.
Protein change: p.Thr90Ala; replaces threonine 90 with alanine.
Molecular consequence: missense variant. On other transcripts: intron variant (2).
Genome position (GRCh38, 1-based): chr15:40,706,219, A>G. VCF-style: chr15-40706219-A-G. GRCh37 (hg19) VCF-style: chr15-40998417-A-G.
Other names: c.268A>G, p.Thr90Ala (NM_001164270.2); c.347-2806A>G (NM_133487.4, NM_001164269.2); short protein forms T90A.
Identifiers: ClinVar variation 1794771 (VCV001794771.2), dbSNP rs2504436492, ClinGen allele CA391749584.
Genomic context (GRCh38, chr15:40,706,219, plus strand): 5'-ATTTCTTATTTTTCCCAGGCTGAGGCAGCTAAATTAGTTCCAATGGGTTTCACCACTGCA[A>G]CTGAATTCCACCAAAGGCGGTCAGAGATCATACAGATTACTACTGGCTCCAAAGAGCTTG-3'
Protein context (NP_002866.2, residues 80-100): KLVPMGFTTA[Thr90Ala]EFHQRRSEII

ClinVar aggregate classification (germline): Uncertain significance (1 of 4 stars; one submission).

Conditions:
Inborn genetic diseases. Identifiers: MedGen C0950123, MeSH D030342.

Submission:

Ambry Genetics
Classification: Uncertain significance for Inborn genetic diseases. Last evaluated: 2022-10-22. Review status: criteria provided, single submitter. Criteria: Ambry Variant Classification Scheme 2023. Collection method: clinical testing. Allele origin: germline.
Comment: The p.T90A variant (also known as c.268A>G), located in coding exon 3 of the RAD51 gene, results from an A to G substitution at nucleotide position 268. The threonine at codon 90 is replaced by alanine, an amino acid with similar properties. This amino acid position is conserved. In addition, the in silico prediction for this alteration is inconclusive. Since supporting evidence is limited at this time, the clinical significance of this alteration remains unclear.